The following continues an entry in ClinVar:

NM_022168.4(IFIH1):c.1641+1G>C

Gene: IFIH1. ClinVar aggregate classification (germline): Conflicting classifications of pathogenicity. Uncertain significance (6); Benign (4); Likely benign (1).

Submissions 43 to 78 of 85:

Dr. Peter K. Rogan Lab, Western University
No classification provided (evidence only). Condition: Colon adenocarcinoma. Review status: no classification provided. Collection method: in vitro. Allele origin: not applicable. Functional consequence: skipped exon. Not counted in ClinVar's aggregate classification.

Dr. Peter K. Rogan Lab, Western University
No classification provided (evidence only). Condition: Thyroid cancer, nonmedullary, 1. Review status: no classification provided. Collection method: in vitro. Allele origin: not applicable. Functional consequence: skipped exon, retained intron. Not counted in ClinVar's aggregate classification.

Dr. Peter K. Rogan Lab, Western University
No classification provided (evidence only). Condition: Thyroid cancer, nonmedullary, 1. Review status: no classification provided. Collection method: in vitro. Allele origin: not applicable. Functional consequence: skipped exon. Not counted in ClinVar's aggregate classification.

Dr. Peter K. Rogan Lab, Western University
No classification provided (evidence only). Condition: Thyroid cancer, nonmedullary, 1. Review status: no classification provided. Collection method: in vitro. Allele origin: not applicable. Functional consequence: skipped exon. Not counted in ClinVar's aggregate classification.

Dr. Peter K. Rogan Lab, Western University
No classification provided (evidence only). Condition: Thyroid cancer, nonmedullary, 1. Review status: no classification provided. Collection method: in vitro. Allele origin: not applicable. Functional consequence: skipped exon. Not counted in ClinVar's aggregate classification.

Dr. Peter K. Rogan Lab, Western University
No classification provided (evidence only). Condition: Thyroid cancer, nonmedullary, 1. Review status: no classification provided. Collection method: in vitro. Allele origin: not applicable. Functional consequence: skipped exon. Not counted in ClinVar's aggregate classification.

Dr. Peter K. Rogan Lab, Western University
No classification provided (evidence only). Condition: Thyroid cancer, nonmedullary, 1. Review status: no classification provided. Collection method: in vitro. Allele origin: not applicable. Functional consequence: skipped exon. Not counted in ClinVar's aggregate classification.

Dr. Peter K. Rogan Lab, Western University
No classification provided (evidence only). Condition: Uterine corpus endometrial carcinoma. Review status: no classification provided. Collection method: in vitro. Allele origin: not applicable. Functional consequence: skipped exon. Not counted in ClinVar's aggregate classification.

Dr. Peter K. Rogan Lab, Western University
No classification provided (evidence only). Condition: Uterine corpus endometrial carcinoma. Review status: no classification provided. Collection method: in vitro. Allele origin: not applicable. Functional consequence: skipped exon. Not counted in ClinVar's aggregate classification.

Dr. Peter K. Rogan Lab, Western University
No classification provided (evidence only). Condition: Uterine corpus endometrial carcinoma. Review status: no classification provided. Collection method: in vitro. Allele origin: not applicable. Functional consequence: skipped exon. Not counted in ClinVar's aggregate classification.

Dr. Peter K. Rogan Lab, Western University
No classification provided (evidence only). Condition: Uterine corpus endometrial carcinoma. Review status: no classification provided. Collection method: in vitro. Allele origin: not applicable. Functional consequence: skipped exon. Not counted in ClinVar's aggregate classification.

Dr. Peter K. Rogan Lab, Western University
No classification provided (evidence only). Condition: Uterine corpus endometrial carcinoma. Review status: no classification provided. Collection method: in vitro. Allele origin: not applicable. Functional consequence: skipped exon. Not counted in ClinVar's aggregate classification.

Dr. Peter K. Rogan Lab, Western University
No classification provided (evidence only). Condition: Cervical cancer. Review status: no classification provided. Collection method: in vitro. Allele origin: not applicable. Functional consequence: skipped exon. Not counted in ClinVar's aggregate classification.

Dr. Peter K. Rogan Lab, Western University
No classification provided (evidence only). Condition: Cervical cancer. Review status: no classification provided. Collection method: in vitro. Allele origin: not applicable. Functional consequence: skipped exon. Not counted in ClinVar's aggregate classification.

Dr. Peter K. Rogan Lab, Western University
No classification provided (evidence only). Condition: Cervical cancer. Review status: no classification provided. Collection method: in vitro. Allele origin: not applicable. Functional consequence: skipped exon. Not counted in ClinVar's aggregate classification.

Dr. Peter K. Rogan Lab, Western University
No classification provided (evidence only). Condition: Cervical cancer. Review status: no classification provided. Collection method: in vitro. Allele origin: not applicable. Functional consequence: skipped exon. Not counted in ClinVar's aggregate classification.

Dr. Peter K. Rogan Lab, Western University
No classification provided (evidence only). Condition: Cervical cancer. Review status: no classification provided. Collection method: in vitro. Allele origin: not applicable. Functional consequence: skipped exon. Not counted in ClinVar's aggregate classification.

Dr. Peter K. Rogan Lab, Western University
No classification provided (evidence only). Condition: Sarcoma. Review status: no classification provided. Collection method: in vitro. Allele origin: not applicable. Functional consequence: skipped exon. Not counted in ClinVar's aggregate classification.

Dr. Peter K. Rogan Lab, Western University
No classification provided (evidence only). Condition: Sarcoma. Review status: no classification provided. Collection method: in vitro. Allele origin: not applicable. Functional consequence: skipped exon. Not counted in ClinVar's aggregate classification.

Dr. Peter K. Rogan Lab, Western University
No classification provided (evidence only). Condition: Malignant lymphoma, large B-cell, diffuse. Review status: no classification provided. Collection method: in vitro. Allele origin: not applicable. Functional consequence: skipped exon. Not counted in ClinVar's aggregate classification.

Dr. Peter K. Rogan Lab, Western University
No classification provided (evidence only). Condition: Hepatocellular carcinoma. Review status: no classification provided. Collection method: in vitro. Allele origin: not applicable. Functional consequence: skipped exon, retained intron. Not counted in ClinVar's aggregate classification.

Dr. Peter K. Rogan Lab, Western University
No classification provided (evidence only). Condition: Hepatocellular carcinoma. Review status: no classification provided. Collection method: in vitro. Allele origin: not applicable. Functional consequence: skipped exon. Not counted in ClinVar's aggregate classification.

Dr. Peter K. Rogan Lab, Western University
No classification provided (evidence only). Condition: Hepatocellular carcinoma. Review status: no classification provided. Collection method: in vitro. Allele origin: not applicable. Functional consequence: skipped exon. Not counted in ClinVar's aggregate classification.

Dr. Peter K. Rogan Lab, Western University
No classification provided (evidence only). Condition: Nonpapillary renal cell carcinoma. Review status: no classification provided. Collection method: in vitro. Allele origin: not applicable. Functional consequence: skipped exon. Not counted in ClinVar's aggregate classification.

Dr. Peter K. Rogan Lab, Western University
No classification provided (evidence only). Condition: Nonpapillary renal cell carcinoma. Review status: no classification provided. Collection method: in vitro. Allele origin: not applicable. Functional consequence: skipped exon, retained intron. Not counted in ClinVar's aggregate classification.

Dr. Peter K. Rogan Lab, Western University
No classification provided (evidence only). Condition: Nonpapillary renal cell carcinoma. Review status: no classification provided. Collection method: in vitro. Allele origin: not applicable. Functional consequence: skipped exon. Not counted in ClinVar's aggregate classification.

Dr. Peter K. Rogan Lab, Western University
No classification provided (evidence only). Condition: Thymoma. Review status: no classification provided. Collection method: in vitro. Allele origin: not applicable. Functional consequence: skipped exon. Not counted in ClinVar's aggregate classification.

Dr. Peter K. Rogan Lab, Western University
No classification provided (evidence only). Condition: Cholangiocarcinoma. Review status: no classification provided. Collection method: in vitro. Allele origin: not applicable. Functional consequence: skipped exon. Not counted in ClinVar's aggregate classification.

Dr. Peter K. Rogan Lab, Western University
No classification provided (evidence only). Condition: Cholangiocarcinoma. Review status: no classification provided. Collection method: in vitro. Allele origin: not applicable. Functional consequence: skipped exon. Not counted in ClinVar's aggregate classification.

Dr. Peter K. Rogan Lab, Western University
No classification provided (evidence only). Condition: Ovarian serous cystadenocarcinoma. Review status: no classification provided. Collection method: in vitro. Allele origin: not applicable. Functional consequence: retained intron. Not counted in ClinVar's aggregate classification.

Dr. Peter K. Rogan Lab, Western University
No classification provided (evidence only). Condition: Adrenocortical carcinoma, hereditary. Review status: no classification provided. Collection method: in vitro. Allele origin: not applicable. Functional consequence: skipped exon. Not counted in ClinVar's aggregate classification.

Dr. Peter K. Rogan Lab, Western University
No classification provided (evidence only). Condition: Adrenocortical carcinoma, hereditary. Review status: no classification provided. Collection method: in vitro. Allele origin: not applicable. Functional consequence: skipped exon. Not counted in ClinVar's aggregate classification.

Dr. Peter K. Rogan Lab, Western University
No classification provided (evidence only). Condition: Uterine carcinosarcoma. Review status: no classification provided. Collection method: in vitro. Allele origin: not applicable. Functional consequence: skipped exon. Not counted in ClinVar's aggregate classification.

Dr. Peter K. Rogan Lab, Western University
No classification provided (evidence only). Condition: Malignant tumor of esophagus. Review status: no classification provided. Collection method: in vitro. Allele origin: not applicable. Functional consequence: skipped exon. Not counted in ClinVar's aggregate classification.

Dr. Peter K. Rogan Lab, Western University
No classification provided (evidence only). Condition: Malignant tumor of esophagus. Review status: no classification provided. Collection method: in vitro. Allele origin: not applicable. Functional consequence: skipped exon, retained intron. Not counted in ClinVar's aggregate classification.

Dr. Peter K. Rogan Lab, Western University
No classification provided (evidence only). Condition: Familial pancreatic carcinoma. Review status: no classification provided. Collection method: in vitro. Allele origin: not applicable. Functional consequence: skipped exon. Not counted in ClinVar's aggregate classification.